The following is an entry in ClinVar:

NM_000372.5(TYR):c.1185-2A>G

Gene: TYR (tyrosinase; plus strand). Cytogenetic location: 11q14.3.
Variant type: single nucleotide variant.
Coding change: c.1185-2A>G on transcript NM_000372.5 (MANE Select); the canonical splice acceptor site of the intron before coding-DNA position 1185, A replaced by G.
Molecular consequence: splice acceptor variant.
Genome position (GRCh38, 1-based): chr11:89,284,771, A>G. VCF-style: chr11-89284771-A-G. GRCh37 (hg19) VCF-style: chr11-89017939-A-G.
Identifiers: ClinVar variation 800543 (VCV000800543.12), dbSNP rs1289685376, ClinGen allele CA382077809.

ClinVar aggregate classification (germline): Pathogenic/Likely pathogenic. Review status: criteria provided, multiple submitters, no conflicts (2 of 4 stars). 5 submissions from 5 submitters: Pathogenic (4); Likely pathogenic (1). Last evaluated 2025-04-28.

Conditions:
Oculocutaneous albinism type 1A (OCA1A). Also called: Albinism, oculocutaneous, type IA. Identifiers: Orphanet 352731, Orphanet 79431, MedGen C4551504, MONDO:0008745, OMIM 203100. Disease mechanism: loss of function.
Oculocutaneous albinism type 1B (OCA1B). Also called: YELLOW ALBINISM; ALBINISM, YELLOW MUTANT TYPE; ALBINISM, OCULOCUTANEOUS, TYPE IB. Identifiers: Orphanet 352731, Orphanet 352737, Orphanet 79434, MedGen C1847024, MONDO:0011749, OMIM 606952.
SKIN/HAIR/EYE PIGMENTATION 3, LIGHT/DARK SKIN (SHEP3). Also called: EYE COLOR 1; EYE COLOR, GREEN/BLUE; SKIN/HAIR/EYE PIGMENTATION, VARIATION IN, 3; SKIN/HAIR/EYE PIGMENTATION 3, BLUE/GREEN EYE COLOR; SKIN/HAIR/EYE PIGMENTATION 3, FRECKLING. Identifiers: MedGen C2677190, OMIM 601800.

Allele frequency attached by ClinVar (database versions not stated): TOPMed 0.00001.

Submissions (5):

Labcorp Genetics (formerly Invitae), Labcorp
Classification: Pathogenic. Last evaluated: 2025-04-28. Review status: criteria provided, single submitter. Criteria: Invitae Variant Classification Sherloc (09022015). Collection method: clinical testing. Allele origin: germline.
Comment: This sequence change affects an acceptor splice site in intron 3 of the TYR gene. It is expected to disrupt RNA splicing. Variants that disrupt the donor or acceptor splice site typically lead to a loss of protein function (PMID: 16199547), and loss-of-function variants in TYR are known to be pathogenic (PMID: 23504663). This variant is not present in population databases (gnomAD no frequency). Disruption of this splice site has been observed in individual(s) with ocular albinism and/or oculocutaneous albinism (PMID: 32411182; internal data). In at least one individual the data is consistent with being in trans (on the opposite chromosome) from a pathogenic variant. ClinVar contains an entry for this variant (Variation ID: 800543). Algorithms developed to predict the effect of sequence changes on RNA splicing suggest that this variant may disrupt the consensus splice site. For these reasons, this variant has been classified as Pathogenic.

Fulgent Genetics
Classification: Likely pathogenic for Oculocutaneous albinism type 1A; SKIN/HAIR/EYE PIGMENTATION 3, LIGHT/DARK SKIN; Oculocutaneous albinism type 1B. Last evaluated: 2024-04-12. Review status: criteria provided, single submitter. Criteria: ACMG Guidelines, 2015. Collection method: clinical testing. Allele origin: germline.

Baylor Genetics
Classification: Pathogenic for SKIN/HAIR/EYE PIGMENTATION 3, LIGHT/DARK SKIN. Last evaluated: 2024-03-10. Review status: criteria provided, single submitter. Criteria: ACMG Guidelines, 2015. Collection method: clinical testing. Allele origin: unknown.

Genome-Nilou Lab
Classification: Pathogenic for Oculocutaneous albinism type 1A. Last evaluated: 2021-07-22. Review status: criteria provided, single submitter. Criteria: ACMG Guidelines, 2015. Collection method: clinical testing. Allele origin: germline. Affected: no.

Pele Pequeno Principe Research Institute, Faculdades Pequeno Principe
Classification: Pathogenic for Oculocutaneous albinism type 1B. Review status: criteria provided, single submitter. Criteria: ACMG Guidelines, 2015. Collection method: research. Allele origin: germline. Inheritance: Autosomal recessive inheritance. Affected: yes.

Literature cited by the submitters: PubMed 16199547 (cited by Labcorp Genetics (formerly Invitae), Labcorp); PubMed 23504663 (cited by Labcorp Genetics (formerly Invitae), Labcorp); PubMed 32411182 (cited by Labcorp Genetics (formerly Invitae), Labcorp).